The following is an entry in ClinVar:

ClinVar aggregate classification (germline): Uncertain significance (1 of 4 stars; one submission).

Conditions:
Hypertrophic cardiomyopathy. Also called: HYPERTROPHIC MYOCARDIOPATHY. Identifiers: Orphanet 217569, MedGen C0007194, MeSH D002312, MONDO:0005045, HP:0001639.

Submission:

All of Us Research Program, National Institutes of Health
Classification: Uncertain significance for Hypertrophic cardiomyopathy. Last evaluated: 2024-07-10. Review status: criteria provided, single submitter. Criteria: ACMG Guidelines, 2015. Collection method: clinical testing. Allele origin: germline. Inheritance: Autosomal dominant inheritance. Observed: 1 variant allele, 1 heterozygote.
Comment: This missense variant replaces threonine with serine at codon 290 of the MYBPC3 protein. Computational prediction tools indicate that this variant has a neutral impact on protein structure and function. To our knowledge, functional studies have not been reported for this variant. This variant has not been reported in individuals affected with MYBPC3-related disorders in the literature. This variant has not been identified in the general population by the Genome Aggregation Database (gnomAD). The available evidence is insufficient to determine the role of this variant in disease conclusively. Therefore, this variant is classified as a Variant of Uncertain Significance.

This study involves interpretation of variants in research participants for the purpose of population health screening. Participant phenotype was not available at the time of variant classification. Additional details can be found in publication PMID: 35346344, PMCID: PMC8962531

NM_000256.3(MYBPC3):c.869C>G (p.Thr290Ser)

Gene: MYBPC3 (myosin binding protein C3; minus strand). Cytogenetic location: 11p11.2.
Variant type: single nucleotide variant.
Coding change: c.869C>G on transcript NM_000256.3 (MANE Select); coding-DNA position 869, C replaced by G.
Protein change: p.Thr290Ser; replaces threonine 290 with serine.
Molecular consequence: missense variant.
Genome position (GRCh38, 1-based): chr11:47,347,462, G>C on the plus strand (C>G on the coding strand, the complement: MYBPC3 is on the minus strand). VCF-style: chr11-47347462-G-C. GRCh37 (hg19) VCF-style: chr11-47369013-G-C.
Other names: short protein forms T290S.
Identifiers: ClinVar variation 3387140 (VCV003387140.1).